The following is an entry in ClinVar:

NM_001378454.1(ALMS1):c.10828_10829del (p.Arg3610fs)

Gene: ALMS1 (ALMS1 centrosome and basal body associated protein; plus strand). Cytogenetic location: 2p13.1.
Variant type: Microsatellite.
Coding change: c.10828_10829del on transcript NM_001378454.1 (MANE Select); coding-DNA positions 10828 to 10829, 2 bases deleted (AG; older notation c.10828_10829delAG).
Protein change: p.Arg3610fs; shifts the reading frame from arginine 3610.
Molecular consequence: frameshift variant.
Genome position (GRCh38, 1-based): chr2:73,572,705-73,572,706, AG deleted; deleting any 2 consecutive bases within chr2:73,572,703-73,572,706 gives the same sequence; the c. name uses the placement nearest the transcript's 3' end. VCF-style (leftmost placement, unchanged base first): chr2-73572702-CAG-C. GRCh37 (hg19) VCF-style: chr2-73799829-CAG-C.
Other names: c.10831_10832del, p.Arg3611fs (NM_015120.4); c.10831_10832delAG (NM_015120.4); short protein forms R3611fs, R3610fs.
Identifiers: ClinVar variation 552413 (VCV000552413.16), dbSNP rs755616266, ClinGen allele CA1715066.

ClinVar aggregate classification (germline): Pathogenic. Review status: criteria provided, multiple submitters, no conflicts (2 of 4 stars). 10 submissions from 10 submitters: Pathogenic (8). 2 of the submissions do not count toward it. Last evaluated 2025-08-20.

Conditions:
Alstrom syndrome (ALMS). Identifiers: Orphanet 64, MedGen C0268425, MONDO:0008763, OMIM 203800.
ALMS1-related disorder. Also called: ALMS1-related condition.

Submissions (10):

Natera, Inc.
Classification: Pathogenic for Alstrom syndrome. Last evaluated: 2025-08-20. Review status: criteria provided, single submitter. Criteria: Natera Variant Classification Schema (03/2026). Collection method: clinical testing. Allele origin: germline.
Comment: The c.10831_10832delAG variant in ALMS1 is a frameshift variant predicted to shift the reading frame beginning at codon 3611 and leads to a stop codon 6 codons downstream. This variant is expected to result in nonsense mediated decay, truncation, or a dysfunctional protein product. This variant is rare in the general population with a frequency below the threshold expected for the associated phenotype(s). This variant has been observed in one or more individuals affected with the associated recessive disease, as either homozygous or compound heterozygous with a second variant (PMID: 34148947). Given the available evidence, this variant is classified as Pathogenic.

Variantyx, Inc.
Classification: Pathogenic for Alstrom syndrome. Last evaluated: 2025-07-07. Review status: criteria provided, single submitter. Criteria: Variantyx Assertion Criteria 2022. Collection method: clinical testing. Allele origin: germline. Inheritance: Autosomal recessive inheritance. Affected: no.
Comment: This is a frameshift variant in the ALMS1 gene (OMIM: 606844). Pathogenic variants in this gene have been associated with autosomal recessive Alstrom syndrome. This variant introduces a premature termination codon in exon 16 out of 23 and is expected to result in loss of function, which is a known disease mechanism for ALMS1 in this disorder (PMID: 17594715) (PVS1). It has been identified in the homozygous or compound heterozygous state in at least 6 individuals reported in the published literature (PMID: 17594715, 29720996, 34148947, 38671463, 26010121) (PM3_Strong, while it has a 0.0201% maximum allele frequency in non-founder control populations (PM2). Based on the current evidence, this variant is classified as pathogenic for autosomal recessive Alstrom syndrome.

SingHealth Duke-NUS Institute of Precision Medicine
Classification: Pathogenic for Alstrom syndrome. Last evaluated: 2025-02-05. Review status: criteria provided, single submitter. Criteria: PRISM ACMG Classification Criteria. Collection method: clinical testing. Allele origin: germline. Affected: yes.
Comment: Variant is predicted to cause nonsense-mediated decay in a gene where LOF is a known cause of pathogenicity (PVS1). Homozygous allele count in gnomAD exomes and genomes are less than 0 (PM2). Variant is found in trans with another pathogenic variant (PM3)

Department of Endocrinology and Genetics, Fuzhou Children’s Hospital of Fujian Medical University
Classification: Pathogenic for Alstrom syndrome. Last evaluated: 2024-12-14. Review status: criteria provided, single submitter. Criteria: ACMG Guidelines, 2015. Collection method: clinical testing. Allele origin: germline. Inheritance: Autosomal recessive inheritance. Affected: yes.

Labcorp Genetics (formerly Invitae), Labcorp
Classification: Pathogenic for Alstrom syndrome. Last evaluated: 2024-02-23. Review status: criteria provided, single submitter. Criteria: Invitae Variant Classification Sherloc (09022015). Collection method: clinical testing. Allele origin: germline.
Comment: This sequence change creates a premature translational stop signal (p.Arg3611Alafs*6) in the ALMS1 gene. It is expected to result in an absent or disrupted protein product. Loss-of-function variants in ALMS1 are known to be pathogenic (PMID: 17594715). This variant is present in population databases (rs755616266, gnomAD 0.04%). This premature translational stop signal has been observed in individual(s) with clinical features of Alström syndrome (PMID: 17594715, 26010121, 29720996). In at least one individual the data is consistent with being in trans (on the opposite chromosome) from a pathogenic variant. ClinVar contains an entry for this variant (Variation ID: 552413). For these reasons, this variant has been classified as Pathogenic.

Fulgent Genetics
Classification: Pathogenic for Alstrom syndrome. Last evaluated: 2021-11-10. Review status: criteria provided, single submitter. Criteria: ACMG Guidelines, 2015. Collection method: clinical testing. Allele origin: unknown.

Blueprint Genetics
Classification: Pathogenic for ALMS1-related disorders. Last evaluated: 2021-06-02. Review status: criteria provided, single submitter. Criteria: ACMG Guidelines, 2015. Collection method: clinical testing. Allele origin: germline. Affected: yes. Observed: 2 variant alleles.

Juno Genomics, Hangzhou Juno Genomics, Inc
Classification: Pathogenic for Alstrom syndrome. Review status: criteria provided, single submitter. Criteria: ACMG Guidelines, 2015. Collection method: clinical testing. Allele origin: germline. Affected: yes.
Comment: Absent from controls (or at extremely low frequency if recessive) in Genome Aggregation Database.;Null variant in a gene where loss of function (LOF) is a known mechanism of disease.;For recessive disorders, detected in trans with a pathogenic variant.;Patient's phenotype or family history is highly specific for a disease with a single genetic etiology.

Counsyl
Classification: Pathogenic for Alstrom syndrome. Last evaluated: 2017-06-09. Review status: no assertion criteria provided. Collection method: clinical testing. Allele origin: unknown. Not counted in ClinVar's aggregate classification.

Department of Pediatrics, National Cheng-Kung University Hospital
Classification: Pathogenic for Alstrom syndrome. Review status: no assertion criteria provided. Collection method: clinical testing. Allele origin: germline. Inheritance: Autosomal recessive inheritance. Affected: yes. Not counted in ClinVar's aggregate classification.

Literature cited by the submitters: PubMed 34148947 (cited by Natera, Inc. and Variantyx, Inc.); PubMed 17594715 (cited by 3 submitters); PubMed 29720996 (cited by Variantyx, Inc. and Labcorp Genetics (formerly Invitae), Labcorp); PubMed 38671463 (cited by Variantyx, Inc.); PubMed 26010121 (cited by 3 submitters); PubMed 39615735 (cited by Department of Endocrinology and Genetics, Fuzhou Children’s Hospital of Fujian Medical University).